The following is an entry in ClinVar:

NM_016239.4(MYO15A):c.549T>C (p.Pro183=)

Gene: MYO15A (myosin XVA; plus strand). Cytogenetic location: 17p11.2.
Variant type: single nucleotide variant.
Coding change: c.549T>C on transcript NM_016239.4 (MANE Select); coding-DNA position 549, T replaced by C.
Protein change: p.Pro183=; no amino-acid change (proline 183 retained).
Molecular consequence: synonymous variant.
Genome position (GRCh38, 1-based): chr17:18,119,349, T>C. VCF-style: chr17-18119349-T-C. GRCh37 (hg19) VCF-style: chr17-18022663-T-C.
Identifiers: ClinVar variation 668264 (VCV000668264.10), dbSNP rs200088596, ClinGen allele CA8422874.

ClinVar aggregate classification (germline): Benign/Likely benign. Review status: criteria provided, multiple submitters, no conflicts (2 of 4 stars). 3 submissions from 3 submitters: Benign (1); Likely benign (2). Last evaluated 2025-08-18.

Allele frequency attached by ClinVar (database versions not stated): gnomAD 0.00011; TOPMed 0.00012; 1000 Genomes Project 0.00040; ExAC 0.00041; 1000 Genomes Project 30x 0.00047; gnomAD exomes 0.00059.
gnomAD v4.1: 172 of 1,608,972 alleles (0.011%); highest among the groups gnomAD compares: Admixed American, 0.28%; no homozygotes.

Submissions (3):

Labcorp Genetics (formerly Invitae), Labcorp
Classification: Benign. Last evaluated: 2025-08-18. Review status: criteria provided, single submitter. Criteria: Invitae Variant Classification Sherloc (09022015). Collection method: clinical testing. Allele origin: germline.

Blueprint Genetics
Classification: Likely benign. Last evaluated: 2024-03-14. Review status: criteria provided, single submitter. Criteria: ACMG Guidelines, 2015. Collection method: clinical testing. Allele origin: germline.

GeneDx
Classification: Likely benign. Last evaluated: 2018-05-25. Review status: criteria provided, single submitter. Criteria: GeneDx Variant Classification (06012015). Collection method: clinical testing. Allele origin: germline. Affected: yes.
Comment: This variant is considered likely benign or benign based on one or more of the following criteria: it is a conservative change, it occurs at a poorly conserved position in the protein, it is predicted to be benign by multiple in silico algorithms, and/or has population frequency not consistent with disease.